The following is an entry in ClinVar:

NM_000553.6(WRN):c.1118G>T (p.Gly373Val)

Gene: WRN (WRN RecQ like helicase; plus strand). Cytogenetic location: 8p12.
Variant type: single nucleotide variant.
Coding change: c.1118G>T on transcript NM_000553.6 (MANE Select); coding-DNA position 1118, G replaced by T.
Protein change: p.Gly373Val; replaces glycine 373 with valine.
Molecular consequence: missense variant.
Genome position (GRCh38, 1-based): chr8:31,081,145, G>T. VCF-style: chr8-31081145-G-T. GRCh37 (hg19) VCF-style: chr8-30938661-G-T.
Other names: short protein forms G373V.
Identifiers: ClinVar variation 1427482 (VCV001427482.6), dbSNP rs376913063, ClinGen allele CA174858694.

ClinVar aggregate classification (germline): Uncertain significance (1 of 4 stars; one submission).

Conditions:
Werner syndrome (WRN). Identifiers: Orphanet 902, MedGen C0043119, MONDO:0010196, OMIM 277700.

Allele frequency attached by ClinVar (database versions not stated): gnomAD exomes below 0.00001; TOPMed below 0.00001; ESP Exome Variant Server 0.00008.
gnomAD v4.1: 6 of 1,614,030 alleles (0.00037%); highest among the groups gnomAD compares: South Asian, 0.0011%; no homozygotes.

Submission:

Labcorp Genetics (formerly Invitae), Labcorp
Classification: Uncertain significance for Werner syndrome. Last evaluated: 2023-11-08. Review status: criteria provided, single submitter. Criteria: Invitae Variant Classification Sherloc (09022015). Collection method: clinical testing. Allele origin: germline.
Comment: This sequence change replaces glycine, which is neutral and non-polar, with valine, which is neutral and non-polar, at codon 373 of the WRN protein (p.Gly373Val). This variant is not present in population databases (gnomAD no frequency). This variant has not been reported in the literature in individuals affected with WRN-related conditions. ClinVar contains an entry for this variant (Variation ID: 1427482). An algorithm developed to predict the effect of missense changes on protein structure and function (PolyPhen-2) suggests that this variant is likely to be tolerated. In summary, the available evidence is currently insufficient to determine the role of this variant in disease. Therefore, it has been classified as a Variant of Uncertain Significance.